The following is an entry in ClinVar:

ClinVar aggregate classification (germline): Uncertain significance. Review status: criteria provided, multiple submitters, no conflicts (2 of 4 stars). 2 submissions from 2 submitters: Uncertain significance (2). Last evaluated 2025-09-29.

Conditions:
Hereditary cancer-predisposing syndrome. Also called: Hereditary Cancer Syndrome; Neoplastic Syndromes, Hereditary; Hereditary neoplastic syndrome; Tumor predisposition. Identifiers: Orphanet 140162, MedGen C0027672, MeSH D009386, MONDO:0015356.
Multiple endocrine neoplasia, type 2 (MEN2). Identifiers: Orphanet 653, MedGen C4048306, MONDO:0019003. Disease mechanism: gain of function.

Allele frequency attached by ClinVar (database versions not stated): ExAC 0.00001.

Submissions (2):

Ambry Genetics
Classification: Uncertain significance for Hereditary cancer-predisposing syndrome. Last evaluated: 2025-09-29. Review status: criteria provided, single submitter. Criteria: Ambry Variant Classification Scheme 2023. Collection method: clinical testing. Allele origin: germline.
Comment: The p.S268W variant (also known as c.803C>G), located in coding exon 4 of the RET gene, results from a C to G substitution at nucleotide position 803. The serine at codon 268 is replaced by tryptophan, an amino acid with highly dissimilar properties. This amino acid position is conserved. In addition, the in silico prediction for this alteration is inconclusive. Based on the available evidence, the clinical significance of this variant remains unclear.

Labcorp Genetics (formerly Invitae), Labcorp
Classification: Uncertain significance for Multiple endocrine neoplasia, type 2. Last evaluated: 2023-09-08. Review status: criteria provided, single submitter. Criteria: Invitae Variant Classification Sherloc (09022015). Collection method: clinical testing. Allele origin: germline.
Comment: This sequence change replaces serine, which is neutral and polar, with tryptophan, which is neutral and slightly polar, at codon 268 of the RET protein (p.Ser268Trp). This variant is present in population databases (rs764239646, gnomAD 0.006%). This variant has not been reported in the literature in individuals affected with RET-related conditions. An algorithm developed to predict the effect of missense changes on protein structure and function (PolyPhen-2) suggests that this variant is likely to be disruptive. In summary, the available evidence is currently insufficient to determine the role of this variant in disease. Therefore, it has been classified as a Variant of Uncertain Significance.

NM_020975.6(RET):c.803C>G (p.Ser268Trp)

Gene: RET (ret proto-oncogene; plus strand). Cytogenetic location: 10q11.21.
Variant type: single nucleotide variant.
Coding change: c.803C>G on transcript NM_020975.6 (MANE Select); coding-DNA position 803, C replaced by G.
Protein change: p.Ser268Trp; replaces serine 268 with tryptophan.
Molecular consequence: missense variant. On other transcripts: intron variant (22).
Genome position (GRCh38, 1-based): chr10:43,105,129, C>G. VCF-style: chr10-43105129-C-G. GRCh37 (hg19) VCF-style: chr10-43600577-C-G.
Other names: c.803C>G, p.Ser268Trp (NM_000323.2, NM_001406743.1, NM_001406744.1 and 8 more transcripts); c.41C>G, p.Ser14Trp (NM_001355216.2); c.674C>G, p.Ser225Trp (NM_001406761.1, NM_001406762.1, NM_001406764.1 and 2 more transcripts); c.515C>G, p.Ser172Trp (NM_001406766.1, NM_001406767.1, NM_001406770.1); c.625+2500C>G (NM_001406773.1, NM_001406771.1, NM_001406782.1 and 5 more transcripts); c.496+2500C>G (NM_001406786.1, NM_001406783.1); c.338-3902C>G (NM_001406778.1, NM_001406775.1, NM_001406776.1 and 1 more transcripts); c.337+4407C>G (NM_001406790.1, NM_001406788.1, NM_001406789.1 and 1 more transcripts); and 2 more; short protein forms S172W, S268W, S225W, S14W.
Identifiers: ClinVar variation 2738024 (VCV002738024.4), dbSNP rs764239646, ClinGen allele CA044942.
Genomic context (GRCh38, chr10:43,105,129, plus strand): 5'-GCGCGCGCGAGGAGGTGGTGATGGTGCCCTTCCCGGTGACCGTGTACGACGAGGACGACT[C>G]GGCGCCCACCTTCCCCGCGGGCGTCGACACCGCCAGCGCCGTGGTGGAGTTCAAGCGGAA-3'
Protein context (NP_066124.1, residues 258-278): FPVTVYDEDD[Ser268Trp]APTFPAGVDT